The following is an entry in ClinVar:

ClinVar aggregate classification (germline): Uncertain significance (1 of 4 stars; one submission).

Conditions:
Craniolenticulosutural dysplasia (CLSD). Also called: BOYADJIEV-JABS SYNDROME. Identifiers: Orphanet 50814, MedGen C1843042, MONDO:0011911, OMIM 607812.

gnomAD v4.1: 1 of 1,613,594 alleles (0.000062%); highest among the groups gnomAD compares: Non-Finnish European, 0.000085%; no homozygotes.

Submission:

Labcorp Genetics (formerly Invitae), Labcorp
Classification: Uncertain significance for Craniolenticulosutural dysplasia. Last evaluated: 2024-09-24. Review status: criteria provided, single submitter. Criteria: Invitae Variant Classification Sherloc (09022015). Collection method: clinical testing. Allele origin: germline.
Comment: This sequence change creates a premature translational stop signal (p.Gln296*) in the SEC23A gene. It is expected to result in an absent or disrupted protein product. However, the current clinical and genetic evidence is not sufficient to establish whether loss-of-function variants in SEC23A cause disease. This variant is not present in population databases (gnomAD no frequency). This variant has not been reported in the literature in individuals affected with SEC23A-related conditions. In summary, the available evidence is currently insufficient to determine the role of this variant in disease. Therefore, it has been classified as a Variant of Uncertain Significance.

NM_006364.4(SEC23A):c.886C>T (p.Gln296Ter)

Gene: SEC23A (SEC23 homolog A, COPII component; minus strand). Cytogenetic location: 14q21.1.
Variant type: single nucleotide variant.
Coding change: c.886C>T on transcript NM_006364.4 (MANE Select); coding-DNA position 886, C replaced by T.
Protein change: p.Gln296Ter; replaces glutamine 296 with a stop codon.
Molecular consequence: nonsense.
Genome position (GRCh38, 1-based): chr14:39,076,036, G>A on the plus strand (C>T on the coding strand, the complement: SEC23A is on the minus strand). VCF-style: chr14-39076036-G-A. GRCh37 (hg19) VCF-style: chr14-39545240-G-A.
Other names: short protein forms Q296*.
Identifiers: ClinVar variation 3688342 (VCV003688342.2).
Genomic context (GRCh38, chr14:39,076,036, plus strand): 5'-TGTCATGCCACGATCTTATAGGTGTCTTCAACTCATCTCCAACCACCATTCCAGGCCCCT[G>A]AGTAGCAGGACCACCAATGAACATCATGATACGAGCACCAGTGTTGGGAAAAGTACACTA-3'